The following is an entry in ClinVar:

ClinVar aggregate classification (germline): Likely benign. Review status: criteria provided, single submitter (1 of 4 stars). 2 submissions from 2 submitters: Likely benign (1). 1 of the submissions does not count toward it. Last evaluated 2025-07-31.

Conditions:
Rubinstein-Taybi syndrome (RSTS). Identifiers: Orphanet 783, MedGen C0035934, MONDO:0019188.
CREBBP-related disorder. Also called: CREBBP-related condition; CREBBP-related disorders.

Allele frequency attached by ClinVar (database versions not stated): TOPMed below 0.00001.

Submissions (2):

Labcorp Genetics (formerly Invitae), Labcorp
Classification: Likely benign for Rubinstein-Taybi syndrome. Last evaluated: 2025-07-31. Review status: criteria provided, single submitter. Criteria: Invitae Variant Classification Sherloc (09022015). Collection method: clinical testing. Allele origin: germline.

PreventionGenetics, part of Exact Sciences
Classification: Likely benign for CREBBP-related condition. Last evaluated: 2024-06-27. Review status: no assertion criteria provided. Collection method: clinical testing. Allele origin: germline. Not counted in ClinVar's aggregate classification.
Comment: This variant is classified as likely benign based on ACMG/AMP sequence variant interpretation guidelines (Richards et al. 2015 PMID: 25741868, with internal and published modifications).

NM_004380.3(CREBBP):c.255A>G (p.Gly85=)

Gene: CREBBP (CREB binding lysine acetyltransferase; minus strand). Cytogenetic location: 16p13.3.
Variant type: single nucleotide variant.
Coding change: c.255A>G on transcript NM_004380.3 (MANE Select); coding-DNA position 255, A replaced by G.
Protein change: p.Gly85=; no amino-acid change (glycine 85 retained).
Molecular consequence: synonymous variant.
Genome position (GRCh38, 1-based): chr16:3,850,840, T>C on the plus strand (A>G on the coding strand, the complement: CREBBP is on the minus strand). VCF-style: chr16-3850840-T-C. GRCh37 (hg19) VCF-style: chr16-3900841-T-C.
Other names: c.255A>G, p.Gly85= (NM_001079846.1); c.255A>G (NM_004380.2).
Identifiers: ClinVar variation 2073465 (VCV002073465.5), dbSNP rs769899378, ClinGen allele CA7870712.